The following is an entry in ClinVar:

ClinVar aggregate classification (germline): Conflicting classifications of pathogenicity. Review status: criteria provided, conflicting classifications (1 of 4 stars). 3 submissions from 3 submitters: Likely pathogenic (1); Uncertain significance (2). Last evaluated 2025-09-11.

Conditions:
Desmin-related myofibrillar myopathy (MFM1). Also called: MYOFIBRILLAR MYOPATHY WITH ARRHYTHMOGENIC RIGHT VENTRICULAR CARDIOMYOPATHY; DESMIN-RELATED MYOPATHY WITH ARRHYTHMOGENIC RIGHT VENTRICULAR CARDIOMYOPATHY; Myofibrillar myopathy 1; Desminopathy; Desmin related myopathy (former name); Desmin storage myopathy (former name). Identifiers: Orphanet 363543, Orphanet 98909, MedGen C1832370, MONDO:0011076, OMIM 601419.

Allele frequency attached by ClinVar (database versions not stated): gnomAD exomes below 0.00001; gnomAD 0.00001.
gnomAD v4.1: 5 of 1,613,348 alleles (0.00031%); highest among the groups gnomAD compares: Non-Finnish European, 0.00034%; no homozygotes.

Submissions (3):

Mayo Clinic Laboratories, Mayo Clinic
Classification: Uncertain significance. Last evaluated: 2025-09-11. Review status: criteria provided, single submitter. Criteria: ACMG Guidelines, 2015. Collection method: clinical testing. Allele origin: germline. Observed: 1 variant allele.
Comment: PP3_strong, PM2_supporting

Labcorp Genetics (formerly Invitae), Labcorp
Classification: Uncertain significance for Desmin-related myofibrillar myopathy. Last evaluated: 2020-03-06. Review status: criteria provided, single submitter. Criteria: Invitae Variant Classification Sherloc (09022015). Collection method: clinical testing. Allele origin: germline.
Comment: This sequence change replaces tryptophan with glycine at codon 295 of the DES protein (p.Trp295Gly). The tryptophan residue is highly conserved and there is a large physicochemical difference between tryptophan and glycine. This variant is not present in population databases (ExAC no frequency). This variant has not been reported in the literature in individuals with DES-related conditions. ClinVar contains an entry for this variant (Variation ID: 201704). Algorithms developed to predict the effect of missense changes on protein structure and function (SIFT, PolyPhen-2, Align-GVGD) all suggest that this variant is likely to be disruptive, but these predictions have not been confirmed by published functional studies and their clinical significance is uncertain. In summary, the available evidence is currently insufficient to determine the role of this variant in disease. Therefore, it has been classified as a Variant of Uncertain Significance.

GeneDx
Classification: Likely pathogenic. Last evaluated: 2012-10-19. Review status: criteria provided, single submitter. Criteria: GeneDx Variant Classification (06012015). Collection method: clinical testing. Allele origin: germline. Affected: yes.
Comment: p.Trp295Gly (TGG>GGG):c.883 T>G in exon 4 of the DES gene (NM_001927.3) The Trp295Gly variant in the DES gene has not been reported as a disease-causing mutation or as a benign polymorphism to our knowledge. Trp295Gly results in a semi-conservative amino acid substitution of one non-polar residue for another at a position that is conserved across species. In silico analysis predicts Trp295Gly is probably damaging to the protein structure/function. A mutation in a nearby residue (Ser298Leu) has been reported in association with DCM, further supporting the functional importance of this region of the protein. Furthermore, the NHLBI ESP Exome Variant Server reports Trp295Gly was not observed in approximately 6,500 samples from individuals of European and African American backgrounds, indicating it is not a common benign variant in these populations.In summary, while Trp295Gly is a good candidate for a disease-causing mutation, with the clinical and molecular information available at this time we cannot unequivocally determine the clinical significance of this variant.The variant is found in DCM panel(s).

NM_001927.4(DES):c.883T>G (p.Trp295Gly)

Gene: DES (desmin; plus strand). Cytogenetic location: 2q35.
Variant type: single nucleotide variant.
Coding change: c.883T>G on transcript NM_001927.4 (MANE Select); coding-DNA position 883, T replaced by G.
Protein change: p.Trp295Gly; replaces tryptophan 295 with glycine.
Molecular consequence: missense variant.
Genome position (GRCh38, 1-based): chr2:219,420,642, T>G. VCF-style: chr2-219420642-T-G. GRCh37 (hg19) VCF-style: chr2-220285364-T-G.
Other names: p.W295G:TGG>GGG; p.Trp295Gly; c.883T>G (LRG_380t1); short protein forms W295G.
Identifiers: ClinVar variation 201704 (VCV000201704.12), dbSNP rs794728986, ClinGen allele CA308266.